The following is an entry in ClinVar:

NM_001134407.3(GRIN2A):c.347T>A (p.Ile116Asn)

Gene: GRIN2A (glutamate ionotropic receptor NMDA type subunit 2A; minus strand). Cytogenetic location: 16p13.2.
Variant type: single nucleotide variant.
Coding change: c.347T>A on transcript NM_001134407.3 (MANE Select); coding-DNA position 347, T replaced by A.
Protein change: p.Ile116Asn; replaces isoleucine 116 with asparagine.
Molecular consequence: missense variant.
Genome position (GRCh38, 1-based): chr16:10,180,065, A>T on the plus strand (T>A on the coding strand, the complement: GRIN2A is on the minus strand). VCF-style: chr16-10180065-A-T. GRCh37 (hg19) VCF-style: chr16-10273922-A-T.
Other names: c.347T>A, p.Ile116Asn (NM_000833.5, NM_001134408.2); short protein forms I116N.
Identifiers: ClinVar variation 1395548 (VCV001395548.6), dbSNP rs2142388025, ClinGen allele CA394715211.

ClinVar aggregate classification (germline): Uncertain significance (1 of 4 stars; one submission).

Conditions:
Landau-Kleffner syndrome (FESD). Also called: APHASIA, ACQUIRED, WITH EPILEPSY; EPILEPSY, FOCAL, WITH SPEECH DISORDER AND WITH OR WITHOUT MENTAL RETARDATION. Identifiers: Orphanet 1945, Orphanet 725, Orphanet 98818, MedGen C0282512, MONDO:0009509, OMIM 245570.

Submission:

Labcorp Genetics (formerly Invitae), Labcorp
Classification: Uncertain significance for Landau-Kleffner syndrome. Last evaluated: 2021-11-28. Review status: criteria provided, single submitter. Criteria: Invitae Variant Classification Sherloc (09022015). Collection method: clinical testing. Allele origin: germline.
Comment: Advanced modeling of protein sequence and biophysical properties (such as structural, functional, and spatial information, amino acid conservation, physicochemical variation, residue mobility, and thermodynamic stability) performed at Invitae indicates that this missense variant is not expected to disrupt GRIN2A protein function. This variant has not been reported in the literature in individuals affected with GRIN2A-related conditions. This variant is not present in population databases (gnomAD no frequency). This sequence change replaces isoleucine, which is neutral and non-polar, with asparagine, which is neutral and polar, at codon 116 of the GRIN2A protein (p.Ile116Asn). In summary, the available evidence is currently insufficient to determine the role of this variant in disease. Therefore, it has been classified as a Variant of Uncertain Significance.